The following is an entry in ClinVar:

ClinVar aggregate classification (germline): Uncertain significance. Review status: criteria provided, multiple submitters, no conflicts (2 of 4 stars). 3 submissions from 3 submitters: Uncertain significance (3). Last evaluated 2024-10-17.

Conditions:
Inborn genetic diseases. Identifiers: MedGen C0950123, MeSH D030342.

Allele frequency attached by ClinVar (database versions not stated): TOPMed 0.00004; ExAC 0.00005; gnomAD 0.00005 and 0.00006; gnomAD exomes 0.00006 and 0.00007; 1000 Genomes Project 30x 0.00016; 1000 Genomes Project 0.00020.
gnomAD v4.1: 93 of 1,611,412 alleles (0.0058%); highest among the groups gnomAD compares: East Asian, 0.045%; no homozygotes.

Submissions (3):

Ambry Genetics
Classification: Uncertain significance for Inborn genetic diseases. Last evaluated: 2024-10-17. Review status: criteria provided, single submitter. Criteria: Ambry Variant Classification Scheme 2023. Collection method: clinical testing. Allele origin: germline.

Blueprint Genetics
Classification: Uncertain significance. Last evaluated: 2024-08-02. Review status: criteria provided, single submitter. Criteria: ACMG Guidelines, 2015. Collection method: clinical testing. Allele origin: germline.

GeneDx
Classification: Uncertain significance. Last evaluated: 2019-10-02. Review status: criteria provided, single submitter. Criteria: GeneDx Variant Classification Process June 2021. Collection method: clinical testing. Allele origin: germline. Affected: yes.
Comment: In silico analysis, which includes protein predictors and evolutionary conservation, supports a deleterious effect; Has not been previously published as pathogenic or benign to our knowledge

NM_004667.6(HERC2):c.3660A>C (p.Lys1220Asn)

Gene: HERC2 (HECT and RLD domain containing E3 ubiquitin protein ligase 2; minus strand). Cytogenetic location: 15q13.1.
Variant type: single nucleotide variant.
Coding change: c.3660A>C on transcript NM_004667.6 (MANE Select); coding-DNA position 3660, A replaced by C.
Protein change: p.Lys1220Asn; replaces lysine 1220 with asparagine.
Molecular consequence: missense variant.
Genome position (GRCh38, 1-based): chr15:28,238,690, T>G on the plus strand (A>C on the coding strand, the complement: HERC2 is on the minus strand). VCF-style: chr15-28238690-T-G. GRCh37 (hg19) VCF-style: chr15-28483836-T-G.
Other names: c.3660A>C (NM_004667.4); short protein forms K1220N.
Identifiers: ClinVar variation 1219336 (VCV001219336.5), dbSNP rs200259544, ClinGen allele CA7442852.